The following is an entry in ClinVar:

NM_001161748.2(LIM2):c.321del (p.Ser108fs)

Gene: LIM2 (lens intrinsic membrane protein 2; minus strand). Cytogenetic location: 19q13.41.
Variant type: Deletion.
Coding change: c.321del on transcript NM_001161748.2 (MANE Select); coding-DNA position 321, one base deleted (C; older notation c.321delC).
Protein change: p.Ser108fs; shifts the reading frame from serine 108.
Molecular consequence: frameshift variant.
Genome position (GRCh38, 1-based): chr19:51,382,422, G deleted on the plus strand (C on the coding strand, the reverse complement: LIM2 is on the minus strand); the first of 2 consecutive G bases (chr19:51,382,422-51,382,423); deleting either gives the same sequence. VCF-style (leftmost placement, unchanged base first): chr19-51382421-AG-A. GRCh37 (hg19) VCF-style: chr19-51885675-AG-A.
Other names: c.447del, p.Ser150fs (NM_030657.4); short protein forms S108fs, S150fs.
Identifiers: ClinVar variation 1015882 (VCV001015882.9), dbSNP rs1986917705, ClinGen allele CA2341359531.

ClinVar aggregate classification (germline): Uncertain significance (1 of 4 stars; one submission).

Conditions:
Cataract 19 multiple types. Also called: CATARACT 19, CORTICAL PULVERULENT; CATARACT 19, CONGENITAL TOTAL. Identifiers: Orphanet 91492, MedGen C3809004, MONDO:0014111, OMIM 615277.

Submission:

Labcorp Genetics (formerly Invitae), Labcorp
Classification: Uncertain significance for Cataract 19 multiple types. Last evaluated: 2018-06-19. Review status: criteria provided, single submitter. Criteria: Invitae Variant Classification Sherloc (09022015). Collection method: clinical testing. Allele origin: germline.
Comment: This variant is not present in population databases (ExAC no frequency). Experimental studies and prediction algorithms are not available for this variant, and the functional significance of the deleted amino acids is currently unknown. In summary, the available evidence is currently insufficient to determine the role of this variant in disease. Therefore, it has been classified as a Variant of Uncertain Significance. This variant has not been reported in the literature in individuals with LIM2-related disease. This sequence change results in a premature translational stop signal in the LIM2 gene (p.Ser150Glnfs*42). While this is not anticipated to result in nonsense mediated decay, it is expected to disrupt the last 66 amino acids of the LIM2 protein.